The following is an entry in ClinVar:

NM_001148.6(ANK2):c.2557A>C (p.Thr853Pro)

Gene: ANK2 (ankyrin 2; plus strand). Cytogenetic location: 4q26.
Variant type: single nucleotide variant.
Coding change: c.2557A>C on transcript NM_001148.6 (MANE Select); coding-DNA position 2557, A replaced by C.
Protein change: p.Thr853Pro; replaces threonine 853 with proline.
Molecular consequence: missense variant.
Genome position (GRCh38, 1-based): chr4:113,311,263, A>C. VCF-style: chr4-113311263-A-C. GRCh37 (hg19) VCF-style: chr4-114232419-A-C.
Other names: c.184A>C, p.Thr62Pro (NM_001354279.2, NM_001354280.2, NM_001354281.2 and 2 more transcripts); c.2470A>C, p.Thr824Pro (NM_001386142.1, NM_001386146.1, NM_001386149.1 and 10 more transcripts); c.2494A>C, p.Thr832Pro (NM_001386143.1, NM_001386161.1, NM_001354239.2 and 10 more transcripts); c.2602A>C, p.Thr868Pro (NM_001386144.1, NM_001386152.1, NM_001354230.2 and 5 more transcripts); c.2515A>C, p.Thr839Pro (NM_001386147.1, NM_001386160.1, NM_001354261.2); c.2545A>C, p.Thr849Pro (NM_001386148.2, NM_001386186.2); c.2371A>C, p.Thr791Pro (NM_001386151.1, NM_001354260.2, NM_001354271.2); c.2395A>C, p.Thr799Pro (NM_001386156.1, NM_001354253.2, NM_001354257.2 and 1 more transcripts); and 9 more; short protein forms T758P, T853P, T868P, T62P, T783P, T799P, T839P, T787P.
Identifiers: ClinVar variation 936236 (VCV000936236.9), dbSNP rs1178600130, ClinGen allele CA357926682.
Genomic context (GRCh38, chr4:113,311,263, plus strand): 5'-GTTGATATTACATTCAAGAAATAATCCTGCTTCTTCCTCTGATTGTTTCAAGGTGATGAC[A>C]CAATGACTGGTGATGGGGGAGAATACCTTAGGCCTGAGGACCTAAAAGAACTGGGTGATG-3'
Protein context (NP_001139.3, residues 843-863): LDVSDEEGDD[Thr853Pro]MTGDGGEYLR

ClinVar aggregate classification (germline): Uncertain significance. Review status: criteria provided, multiple submitters, no conflicts (2 of 4 stars). 3 submissions from 3 submitters: Uncertain significance (3). Last evaluated 2026-01-14.

Conditions:
Cardiac arrhythmia, ankyrin-B-related. Also called: ANKYRIN-B SYNDROME. Identifiers: Orphanet 101016, Orphanet 768, MedGen C1970119, MONDO:0010958, OMIM 600919.
Cardiovascular phenotype. Identifiers: MedGen CN230736.
Long QT syndrome (LQTS). Identifiers: MedGen C0023976, MeSH D008133, MONDO:0002442. Disease mechanism: loss of function. Inheritance: Various modes of inheritance.

Allele frequency attached by ClinVar (database versions not stated): gnomAD 0.00002; TOPMed 0.00002.
gnomAD v4.1: 23 of 1,614,064 alleles (0.0014%); highest among the groups gnomAD compares: Non-Finnish European, 0.0019%; no homozygotes.

Submissions (3):

Labcorp Genetics (formerly Invitae), Labcorp
Classification: Uncertain significance for Long QT syndrome. Last evaluated: 2026-01-14. Review status: criteria provided, single submitter. Criteria: Invitae Variant Classification Sherloc (09022015). Collection method: clinical testing. Allele origin: germline.
Comment: This sequence change replaces threonine, which is neutral and polar, with proline, which is neutral and non-polar, at codon 853 of the ANK2 protein (p.Thr853Pro). This variant is present in population databases (no rsID available, gnomAD 0.002%). This variant has not been reported in the literature in individuals affected with ANK2-related conditions. ClinVar contains an entry for this variant (Variation ID: 936236). Invitae Evidence Modeling of protein sequence and biophysical properties (such as structural, functional, and spatial information, amino acid conservation, physicochemical variation, residue mobility, and thermodynamic stability) has been performed for this missense variant. However, the output from this modeling did not meet the statistical confidence thresholds required to predict the impact of this variant on ANK2 protein function. In summary, the available evidence is currently insufficient to determine the role of this variant in disease. Therefore, it has been classified as a Variant of Uncertain Significance.

Ambry Genetics
Classification: Uncertain significance for Cardiovascular phenotype. Last evaluated: 2023-07-25. Review status: criteria provided, single submitter. Criteria: Ambry Variant Classification Scheme 2023. Collection method: clinical testing. Allele origin: germline.

Fulgent Genetics
Classification: Uncertain significance for Cardiac arrhythmia, ankyrin-B-related. Last evaluated: 2021-11-22. Review status: criteria provided, single submitter. Criteria: ACMG Guidelines, 2015. Collection method: clinical testing. Allele origin: unknown.